The following is an entry in ClinVar:

NM_001379200.1(TBX1):c.671A>G (p.Lys224Arg)

Gene: TBX1 (T-box transcription factor 1; plus strand). Cytogenetic location: 22q11.21.
Variant type: single nucleotide variant.
Coding change: c.671A>G on transcript NM_001379200.1 (MANE Select); coding-DNA position 671, A replaced by G.
Protein change: p.Lys224Arg; replaces lysine 224 with arginine.
Molecular consequence: missense variant.
Genome position (GRCh38, 1-based): chr22:19,764,286, A>G. VCF-style: chr22-19764286-A-G. GRCh37 (hg19) VCF-style: chr22-19751809-A-G.
Other names: c.644A>G, p.Lys215Arg (NM_005992.1, NM_080646.2, NM_080647.1); short protein forms K215R, K224R.
Identifiers: ClinVar variation 5006442 (VCV005006442.2).

ClinVar aggregate classification (germline): Uncertain significance (1 of 4 stars; one submission).

Conditions:
Tetralogy of Fallot (TOF). Identifiers: Orphanet 3303, MedGen C0039685, MONDO:0008542, OMIM 187500, HP:0001636.
Velocardiofacial syndrome (VCFS). Also called: SHPRINTZEN VCF SYNDROME; VCF SYNDROME; Shprintzen syndrome. Identifiers: Orphanet 567, MedGen C0220704, MONDO:0008644, OMIM 192430. Disease mechanism: loss of function.
DiGeorge syndrome. Also called: Catch22; THIRD AND FOURTH PHARYNGEAL POUCH SYNDROME. Identifiers: Orphanet 567, MedGen C0012236, MONDO:0008564, OMIM 188400.
Conotruncal heart malformations (CTHM). Also called: Conotruncal heart malformations, variable. Identifiers: Orphanet 2445, Orphanet 3384, Orphanet 3426, MedGen C1857586, MONDO:0016581, OMIM 217095.

Submission:

Juno Genomics, Hangzhou Juno Genomics, Inc
Classification: Uncertain significance for Tetralogy of Fallot; Velocardiofacial syndrome; Conotruncal heart malformations; DiGeorge syndrome. Review status: criteria provided, single submitter. Criteria: ACMG Guidelines, 2015. Collection method: clinical testing. Allele origin: germline.
Comment: Absent from controls (or at extremely low frequency if recessive) in Genome Aggregation Database.;Multiple lines of computational evidence support a deleterious effect on the gene or gene product.;Missense variant in a gene for which primarily truncating variants are known to cause disease.